The following is an entry in ClinVar:

ClinVar aggregate classification (germline): Pathogenic (1 of 4 stars; one submission).

Conditions:
Niemann-Pick disease, type A. Also called: SPHINGOMYELIN LIPIDOSIS; SPHINGOMYELINASE DEFICIENCY; Infantile Neurovisceral ASMD (Niemann-Pick Disease Type A; NPD-A). Identifiers: Orphanet 77292, MedGen C0268242, MONDO:0009756, OMIM 257200. Disease mechanism: loss of function.
Niemann-Pick disease, type B. Also called: Chronic Visceral ASMD (Niemann-Pick Disease Type B; NPD-B). Identifiers: Orphanet 77293, MedGen C0268243, MONDO:0011871, OMIM 607616. Disease mechanism: loss of function.

Submission:

Labcorp Genetics (formerly Invitae), Labcorp
Classification: Pathogenic for Niemann-Pick disease, type B; Niemann-Pick disease, type A. Last evaluated: 2022-07-13. Review status: criteria provided, single submitter. Criteria: Invitae Variant Classification Sherloc (09022015). Collection method: clinical testing. Allele origin: germline.
Comment: This sequence change replaces alanine, which is neutral and non-polar, with valine, which is neutral and non-polar, at codon 484 of the SMPD1 protein (p.Ala484Val). This variant is not present in population databases (gnomAD no frequency). This missense change has been observed in individual(s) with Niemann-Pick disease (PMID: 23356216). Advanced modeling of protein sequence and biophysical properties (such as structural, functional, and spatial information, amino acid conservation, physicochemical variation, residue mobility, and thermodynamic stability) performed at Invitae indicates that this missense variant is expected to disrupt SMPD1 protein function. This variant disrupts the p.Ala484 amino acid residue in SMPD1. Other variant(s) that disrupt this residue have been determined to be pathogenic (PMID: 19405096). This suggests that this residue is clinically significant, and that variants that disrupt this residue are likely to be disease-causing. For these reasons, this variant has been classified as Pathogenic.

Literature cited by the submitters: PubMed 23356216; PubMed 19405096.

NM_000543.5(SMPD1):c.1451C>T (p.Ala484Val)

Gene: SMPD1 (sphingomyelin phosphodiesterase 1; plus strand). Cytogenetic location: 11p15.4.
Variant type: single nucleotide variant.
Coding change: c.1451C>T on transcript NM_000543.5 (MANE Select); coding-DNA position 1451, C replaced by T.
Protein change: p.Ala484Val; replaces alanine 484 with valine.
Molecular consequence: missense variant. On other transcripts: non-coding transcript variant (2).
Genome position (GRCh38, 1-based): chr11:6,394,006, C>T. VCF-style: chr11-6394006-C-T. GRCh37 (hg19) VCF-style: chr11-6415236-C-T.
Other names: c.1448C>T, p.Ala483Val (NM_001007593.3); c.1451C>T, p.Ala484Val (NM_001318087.2); c.530C>T, p.Ala177Val (NM_001318088.2); c.1319C>T, p.Ala440Val (NM_001365135.2); short protein forms A177V, A483V, A440V, A484V.
Identifiers: ClinVar variation 2136993 (VCV002136993.4), dbSNP rs267607075, ClinGen allele CA217302415.
Genomic context (GRCh38, chr11:6,394,006, plus strand): 5'-AATTTGAGGTCTTCTATGATGAAGAGACTCTGAGCCGGCCGCTGGCTGTAGCCTTCCTGG[C>T]ACCCAGTGCAACTACCTACATCGGCCTTAATCCTGGTGAGTGAGGCAGAAGGGAGCCTCC-3'
Protein context (NP_000534.3, residues 474-494): LSRPLAVAFL[Ala484Val]PSATTYIGLN